The following is an entry in ClinVar:

ClinVar aggregate classification (germline): Uncertain significance. Review status: criteria provided, multiple submitters, no conflicts (2 of 4 stars). 2 submissions from 2 submitters: Uncertain significance (2). Last evaluated 2025-11-18.

Conditions:
Inborn genetic diseases. Identifiers: MedGen C0950123, MeSH D030342.

gnomAD v4.1: 6 of 1,613,958 alleles (0.00037%); highest among the groups gnomAD compares: African/African-American, 0.0013%; no homozygotes.

Submissions (2):

Labcorp Genetics (formerly Invitae), Labcorp
Classification: Uncertain significance. Last evaluated: 2025-11-18. Review status: criteria provided, single submitter. Criteria: Invitae Variant Classification Sherloc (09022015). Collection method: clinical testing. Allele origin: germline.
Comment: This sequence change replaces isoleucine, which is neutral and non-polar, with threonine, which is neutral and polar, at codon 242 of the TRPV6 protein (p.Ile242Thr). This variant is not present in population databases (gnomAD no frequency). This missense change has been observed in individual(s) with hereditary chronic pancreatitis (PMID: 34923708). ClinVar contains an entry for this variant (Variation ID: 3974479). Algorithms developed to predict the effect of variants on gene product structure and function are not available or were not evaluated for this variant. Experimental studies have shown that this missense change does not substantially affect TRPV6 function (PMID: 34923708). In summary, the available evidence is currently insufficient to determine the role of this variant in disease. Therefore, it has been classified as a Variant of Uncertain Significance.

Ambry Genetics
Classification: Uncertain significance for Inborn genetic diseases. Last evaluated: 2025-05-14. Review status: criteria provided, single submitter. Criteria: Ambry Variant Classification Scheme 2023. Collection method: clinical testing. Allele origin: germline.

Literature cited by the submitters: PubMed 34923708 (cited by Labcorp Genetics (formerly Invitae), Labcorp).

NM_018646.6(TRPV6):c.725T>C (p.Ile242Thr)

Gene: TRPV6 (transient receptor potential cation channel subfamily V member 6; minus strand). Cytogenetic location: 7q34.
Variant type: single nucleotide variant.
Coding change: c.725T>C on transcript NM_018646.6 (MANE Select); coding-DNA position 725, T replaced by C.
Protein change: p.Ile242Thr; replaces isoleucine 242 with threonine.
Molecular consequence: missense variant.
Genome position (GRCh38, 1-based): chr7:142,876,565, A>G on the plus strand (T>C on the coding strand, the complement: TRPV6 is on the minus strand). VCF-style: chr7-142876565-A-G. GRCh37 (hg19) VCF-style: chr7-142574318-A-G.
Other names: short protein forms I242T.
Identifiers: ClinVar variation 3974479 (VCV003974479.2).